The following is an entry in ClinVar:

ClinVar aggregate classification (germline): Likely benign (1 of 4 stars; one submission).

gnomAD v4.1: 27 of 1,613,714 alleles (0.0017%); highest among the groups gnomAD compares: African/African-American, 0.012%; no homozygotes.

Submission:

CeGaT Center for Human Genetics Tuebingen
Classification: Likely benign. Last evaluated: 2026-04-01. Review status: criteria provided, single submitter. Criteria: CeGaT Center For Human Genetics Tuebingen Variant Classification Criteria Version 2. Collection method: clinical testing. Allele origin: germline. Affected: yes. Observed: 1 variant allele.
Comment: ITPR3: BP4, BP7

NM_002224.4(ITPR3):c.2802C>T (p.Ser934=)

Gene: ITPR3 (inositol 1,4,5-trisphosphate receptor type 3; plus strand). Cytogenetic location: 6p21.31.
Variant type: single nucleotide variant.
Coding change: c.2802C>T on transcript NM_002224.4 (MANE Select); coding-DNA position 2802, C replaced by T.
Protein change: p.Ser934=; no amino-acid change (serine 934 retained).
Molecular consequence: synonymous variant.
Genome position (GRCh38, 1-based): chr6:33,672,102, C>T. VCF-style: chr6-33672102-C-T. GRCh37 (hg19) VCF-style: chr6-33639879-C-T.
Identifiers: ClinVar variation 4873577 (VCV004873577.2).
Genomic context (GRCh38, chr6:33,672,102, plus strand): 5'-GCGGTCCATCCAGGGCGTGGGGCACATGATGTCCACCATGGTGCTGAGCCGCAAGCAGTC[C>T]GTCTTCAGTGCCCCCAGCCTGTCTGCTGGGGCCAGTGCTGCTGAGCCGCTGGACAGAAGC-3'
Protein context (NP_002215.2, residues 924-944): MSTMVLSRKQ[Ser934=]VFSAPSLSAG